The following is an entry in ClinVar:

ClinVar aggregate classification (germline): Pathogenic (1 of 4 stars; one submission).

Conditions:
Glycine encephalopathy. Also called: Nonketotic hyperglycinemia; Non-ketotic hyperglycinemia. Identifiers: Orphanet 407, MedGen C0751748, MONDO:0011612, HP:0008288.

Submission:

Labcorp Genetics (formerly Invitae), Labcorp
Classification: Pathogenic for Glycine encephalopathy. Last evaluated: 2020-04-12. Review status: criteria provided, single submitter. Criteria: Invitae Variant Classification Sherloc (09022015). Collection method: clinical testing. Allele origin: germline.
Comment: For these reasons, this variant has been classified as Pathogenic. Loss-of-function variants in GLDC are known to be pathogenic (PMID: 16601880). This variant has not been reported in the literature in individuals with GLDC-related conditions. This variant is a gross deletion of the genomic region encompassing exons 1-7 of the GLDC gene, which includes the initiator codon. The 5' end of this event is unknown as it extends beyond the assayed region for this gene and therefore may encompass additional genes. The 3' boundary is likely confined to intron 7 of the GLDC gene. This is expected to result in an absent or disrupted protein product.

Literature cited by the submitters: PubMed 16601880.

NC_000009.11:g.(?_6604578)_(6645509_?)del

Gene: GLDC (glycine decarboxylase; minus strand). Cytogenetic location: 9p24.1.
Variant type: Deletion.
Identifiers: ClinVar variation 1074245 (VCV001074245.8).